The following is an entry in ClinVar:

NM_004539.4(NARS1):c.813A>C (p.Pro271=)

Gene: NARS1 (asparaginyl-tRNA synthetase 1; minus strand). Cytogenetic location: 18q21.31.
Variant type: single nucleotide variant.
Coding change: c.813A>C on transcript NM_004539.4 (MANE Select); coding-DNA position 813, A replaced by C.
Protein change: p.Pro271=; no amino-acid change (proline 271 retained).
Molecular consequence: synonymous variant.
Genome position (GRCh38, 1-based): chr18:57,607,322, T>G on the plus strand (A>C on the coding strand, the complement: NARS1 is on the minus strand). VCF-style: chr18-57607322-T-G. GRCh37 (hg19) VCF-style: chr18-55274554-T-G.
Identifiers: ClinVar variation 2498742 (VCV002498742.28), dbSNP rs2511570654, ClinGen allele CA504290748.

ClinVar aggregate classification (germline): Likely benign (1 of 4 stars; one submission).

Submission:

CeGaT Center for Human Genetics Tuebingen
Classification: Likely benign. Last evaluated: 2023-03-01. Review status: criteria provided, single submitter. Criteria: CeGaT Center For Human Genetics Tuebingen Variant Classification Criteria Version 2. Collection method: clinical testing. Allele origin: germline. Affected: yes. Observed: 1 variant allele.
Comment: NARS1: PM2:Supporting, BP4, BP7